The following is an entry in ClinVar:

ClinVar aggregate classification (germline): Likely pathogenic (1 of 4 stars; one submission).

Conditions:
Hereditary cancer-predisposing syndrome. Also called: Neoplastic Syndromes, Hereditary; Tumor predisposition; Hereditary neoplastic syndrome; Hereditary Cancer Syndrome. Identifiers: Orphanet 140162, MedGen C0027672, MeSH D009386, MONDO:0015356.

Submission:

Ambry Genetics
Classification: Likely pathogenic for Hereditary cancer-predisposing syndrome. Last evaluated: 2023-12-14. Review status: criteria provided, single submitter. Criteria: Ambry Variant Classification Scheme 2023. Collection method: clinical testing. Allele origin: germline.
Comment: The c.261-2A>G intronic variant results from an A to G substitution two nucleotides upstream from coding exon 2 in the MSH6 gene. This variant is considered to be rare based on population cohorts in the Genome Aggregation Database (gnomAD). This nucleotide position is highly conserved in available vertebrate species. In silico splice site analysis predicts that this alteration will weaken the native splice acceptor site and will result in the creation or strengthening of a novel splice acceptor site; however, direct evidence is insufficient at this time (Ambry internal data). Alterations that disrupt the canonical splice site are expected to cause aberrant splicing, resulting in an abnormal protein or a transcript that is subject to nonsense-mediated mRNA decay. As such, this alteration is classified as likely pathogenic.

NM_000179.3(MSH6):c.261-2A>G

Gene: MSH6 (mutS homolog 6; plus strand). Cytogenetic location: 2p16.3.
Variant type: single nucleotide variant.
Coding change: c.261-2A>G on transcript NM_000179.3 (MANE Select); the canonical splice acceptor site of the intron before coding-DNA position 261, A replaced by G.
Molecular consequence: splice acceptor variant. On other transcripts: 5 prime UTR variant (1), intron variant (5).
Genome position (GRCh38, 1-based): chr2:47,790,925, A>G. VCF-style: chr2-47790925-A-G. GRCh37 (hg19) VCF-style: chr2-48018064-A-G.
Other names: c.-37-2A>G (NM_001406819.1, NM_001406822.1, NM_001406827.1 and 9 more transcripts); c.-476-2A>G (NM_001406829.1, NM_001406823.1, NM_001406811.1 and 1 more transcripts); c.-642-2A>G (NM_001281494.2); c.-39A>G (NM_001406830.1); c.261-2A>G (NM_001406809.1, NM_001406796.1, NM_001406813.1 and 6 more transcripts); c.357-2A>G (NM_001406795.1, NM_001406802.1); c.-668-2A>G (NM_001406807.1); c.-734-2A>G (NM_001406814.1); and 7 more.
Identifiers: ClinVar variation 3230535 (VCV003230535.1), dbSNP rs2104098003, ClinGen allele CA346736414.
Genomic context (GRCh38, chr2:47,790,925, plus strand): 5'-AACTGCCTTTAAGGAAACTTGACCAAATATTAACTAAGTTATGTATTTCCTTTTGGCAAC[A>G]GTTGTGACTTCTCACCAGGAGATTTGGTTTGGGCCAAGATGGAGGGTTACCCCTGGTGGC-3'